The following is an entry in ClinVar:

NM_000238.4(KCNH2):c.1229G>C (p.Trp410Ser)

Gene: KCNH2 (potassium voltage-gated channel subfamily H member 2; minus strand). Cytogenetic location: 7q36.1.
Variant type: single nucleotide variant.
Coding change: c.1229G>C on transcript NM_000238.4 (MANE Select); coding-DNA position 1229, G replaced by C.
Protein change: p.Trp410Ser; replaces tryptophan 410 with serine.
Molecular consequence: missense variant.
Genome position (GRCh38, 1-based): chr7:150,952,753, C>G on the plus strand (G>C on the coding strand, the complement: KCNH2 is on the minus strand). VCF-style: chr7-150952753-C-G. GRCh37 (hg19) VCF-style: chr7-150649841-C-G.
Other names: c.1229G>C (LRG_288t1); c.209G>C, p.Trp70Ser (NM_001204798.2, NM_172057.3); c.941G>C, p.Trp314Ser (NM_001406753.1, NM_001406756.1); c.1052G>C, p.Trp351Ser (NM_001406755.1); c.929G>C, p.Trp310Ser (NM_001406757.1); c.1229G>C, p.Trp410Ser (NM_172056.3); short protein forms W410S, W70S, W314S, W310S, W351S.
Identifiers: ClinVar variation 67168 (VCV000067168.3), dbSNP rs199472892, ClinGen allele CA004300.
Genomic context (GRCh38, chr7:150,952,753, plus strand): 5'-GCAGCCGAGTAGGGTGTGAAGACAGCCGTGTAGATGACCAGCAGCAGGATGAGCCAGTCC[C>G]ACACGGCCTTGAAGGGGCTGTAATGCAGGATGGTCCAGCGGTGGATGCGCGGTGCCTGCA-3'
Protein context (NP_000229.1, residues 400-420): ILHYSPFKAV[Trp410Ser]DWLILLLVIY

ClinVar aggregate classification (germline): not provided (0 of 4 stars; one submission).

Conditions:
Familial long QT syndrome (RWS). Also called: Congenital long QT syndrome; Romano-Ward syndrome; VENTRICULAR FIBRILLATION WITH PROLONGED QT INTERVAL. Identifiers: Orphanet 768, MedGen C1141890, MONDO:0019171.

Submission:

Cardiovascular Biomedical Research Unit, Royal Brompton & Harefield NHS Foundation Trust
No classification provided. Condition: Familial long QT syndrome. Review status: no classification provided. Collection method: literature only. Allele origin: germline.
Comment: This variant has been reported as associated with Long QT syndrome in the following publications (PMID:16414944). This is a literature report, and does not necessarily reflect the clinical interpretation of the Imperial College / Royal Brompton Cardiovascular Genetics laboratory.

Literature cited by the submitters: PubMed 16414944; PubMed 22581653.